The following is an entry in ClinVar:

ClinVar aggregate classification (germline): Likely benign (1 of 4 stars; one submission).

Allele frequency attached by ClinVar (database versions not stated): TOPMed 0.00002.
gnomAD v4.1: 2 of 1,476,828 alleles (0.00014%); highest among the groups gnomAD compares: African/African-American, 0.0015%; no homozygotes.

Submission:

CeGaT Center for Human Genetics Tuebingen
Classification: Likely benign. Last evaluated: 2022-06-01. Review status: criteria provided, single submitter. Criteria: CeGaT Center For Human Genetics Tuebingen Variant Classification Criteria Version 2. Collection method: clinical testing. Allele origin: germline. Affected: yes. Observed: 1 variant allele.
Comment: ISCU: PM2:Supporting, BP4, BP7

NM_213595.4(ISCU):c.12T>G (p.Ala4=)

Gene: ISCU (iron-sulfur cluster assembly enzyme; plus strand). Cytogenetic location: 12q23.3.
Variant type: single nucleotide variant.
Coding change: c.12T>G on transcript NM_213595.4 (MANE Select); coding-DNA position 12, T replaced by G.
Protein change: p.Ala4=; no amino-acid change (alanine 4 retained).
Molecular consequence: synonymous variant. On other transcripts: 5 prime UTR variant (1), non-coding transcript variant (1).
Genome position (GRCh38, 1-based): chr12:108,562,634, T>G. VCF-style: chr12-108562634-T-G. GRCh37 (hg19) VCF-style: chr12-108956410-T-G.
Other names: c.12T>G, p.Ala4= (NM_001301140.1, NM_001301141.1, NM_001320042.1); c.-160T>G (NM_014301.4).
Identifiers: ClinVar variation 1694673 (VCV001694673.31), dbSNP rs560535530, ClinGen allele CA481668350.